The following is an entry in ClinVar:

NM_001009944.3(PKD1):c.10280C>T (p.Pro3427Leu)

Gene: PKD1 (polycystin 1, transient receptor potential channel interacting; minus strand). Cytogenetic location: 16p13.3.
Variant type: single nucleotide variant.
Coding change: c.10280C>T on transcript NM_001009944.3 (MANE Select); coding-DNA position 10280, C replaced by T.
Protein change: p.Pro3427Leu; replaces proline 3427 with leucine.
Molecular consequence: missense variant.
Genome position (GRCh38, 1-based): chr16:2,097,444, G>A on the plus strand (C>T on the coding strand, the complement: PKD1 is on the minus strand). VCF-style: chr16-2097444-G-A. GRCh37 (hg19) VCF-style: chr16-2147445-G-A.
Other names: c.10277C>T, p.Pro3426Leu (NM_000296.4); c.10277C>T (NM_000296.3); short protein forms P3426L, P3427L.
Identifiers: ClinVar variation 3603103 (VCV003603103.2).

ClinVar aggregate classification (germline): Uncertain significance. Review status: criteria provided, multiple submitters, no conflicts (2 of 4 stars). 2 submissions from 2 submitters: Uncertain significance (2). Last evaluated 2026-01-14.

Conditions:
Inborn genetic diseases. Identifiers: MedGen C0950123, MeSH D030342.

gnomAD v4.1: 7 of 1,606,438 alleles (0.00044%); highest among the groups gnomAD compares: East Asian, 0.0022%; no homozygotes.

Submissions (2):

Ambry Genetics
Classification: Uncertain significance for Inborn genetic diseases. Last evaluated: 2026-01-14. Review status: criteria provided, single submitter. Criteria: Ambry Variant Classification Scheme 2023. Collection method: clinical testing. Allele origin: germline.

GeneDx
Classification: Uncertain significance. Last evaluated: 2024-08-05. Review status: criteria provided, single submitter. Criteria: GeneDx Variant Classification Process June 2021. Collection method: clinical testing. Allele origin: germline. Affected: yes.
Comment: In silico analysis supports that this missense variant has a deleterious effect on protein structure/function; Has not been previously published as pathogenic or benign to our knowledge